The following is an entry in ClinVar:

ClinVar aggregate classification (germline): Likely benign (1 of 4 stars; one submission).

gnomAD v4.1: 9 of 1,613,292 alleles (0.00056%); highest among the groups gnomAD compares: Admixed American, 0.0017%; no homozygotes.

Submission:

CeGaT Center for Human Genetics Tuebingen
Classification: Likely benign. Last evaluated: 2024-07-01. Review status: criteria provided, single submitter. Criteria: CeGaT Center For Human Genetics Tuebingen Variant Classification Criteria Version 2. Collection method: clinical testing. Allele origin: germline. Affected: yes. Observed: 1 variant allele.
Comment: CHD3: BP4

NM_001005273.3(CHD3):c.509+5G>A

Gene: CHD3 (chromodomain helicase DNA binding protein 3; plus strand). Cytogenetic location: 17p13.1.
Variant type: single nucleotide variant.
Coding change: c.509+5G>A on transcript NM_001005273.3 (MANE Select); 5 bases into the intron after coding-DNA position 509, G replaced by A.
Molecular consequence: intron variant.
Genome position (GRCh38, 1-based): chr17:7,891,069, G>A. VCF-style: chr17-7891069-G-A. GRCh37 (hg19) VCF-style: chr17-7794387-G-A.
Other names: c.686+5G>A (NM_001005271.3); c.509+5G>A (NM_005852.4).
Identifiers: ClinVar variation 3257487 (VCV003257487.17).